The following is an entry in ClinVar:

ClinVar aggregate classification (germline): Conflicting classifications of pathogenicity. Review status: criteria provided, conflicting classifications (1 of 4 stars). 4 submissions from 4 submitters: Uncertain significance (3); Likely benign (1). Last evaluated 2024-11-01.

Conditions:
Inborn genetic diseases. Identifiers: MedGen C0950123, MeSH D030342.

Allele frequency attached by ClinVar (database versions not stated): ExAC 0.00002; gnomAD exomes 0.00002 and 0.00004; gnomAD 0.00024 and 0.00026; TOPMed 0.00030; ESP Exome Variant Server 0.00033.

Submissions (4):

Blueprint Genetics
Classification: Likely benign. Last evaluated: 2024-11-01. Review status: criteria provided, single submitter. Criteria: ACMG Guidelines, 2015. Collection method: clinical testing. Allele origin: germline.

Ambry Genetics
Classification: Uncertain significance for Inborn genetic diseases. Last evaluated: 2024-08-20. Review status: criteria provided, single submitter. Criteria: Ambry Variant Classification Scheme 2023. Collection method: clinical testing. Allele origin: germline.

GeneDx
Classification: Uncertain significance. Last evaluated: 2024-03-15. Review status: criteria provided, single submitter. Criteria: GeneDx Variant Classification Process June 2021. Collection method: clinical testing. Allele origin: germline. Affected: yes.
Comment: In silico analysis supports that this missense variant does not alter protein structure/function; Has not been previously published as pathogenic or benign to our knowledge

Labcorp Genetics (formerly Invitae), Labcorp
Classification: Uncertain significance. Last evaluated: 2024-01-15. Review status: criteria provided, single submitter. Criteria: Invitae Variant Classification Sherloc (09022015). Collection method: clinical testing. Allele origin: germline.
Comment: This sequence change replaces aspartic acid, which is acidic and polar, with glycine, which is neutral and non-polar, at codon 300 of the DSPP protein (p.Asp300Gly). This variant is present in population databases (rs367711766, gnomAD 0.03%). This variant has not been reported in the literature in individuals affected with DSPP-related conditions. ClinVar contains an entry for this variant (Variation ID: 1478315). An algorithm developed to predict the effect of missense changes on protein structure and function (PolyPhen-2) suggests that this variant is likely to be tolerated. In summary, the available evidence is currently insufficient to determine the role of this variant in disease. Therefore, it has been classified as a Variant of Uncertain Significance.

NM_014208.3(DSPP):c.899A>G (p.Asp300Gly)

Genes: DMP1-AS1 (DMP1 and DSPP antisense RNA 1; minus strand), DSPP (dentin sialophosphoprotein; plus strand). Cytogenetic location: 4q22.1.
Variant type: single nucleotide variant.
Coding change: c.899A>G on transcript NM_014208.3 (MANE Select); coding-DNA position 899, A replaced by G.
Protein change: p.Asp300Gly; replaces aspartic acid 300 with glycine.
Molecular consequence: missense variant.
Genome position (GRCh38, 1-based): chr4:87,613,085, A>G. VCF-style: chr4-87613085-A-G. GRCh37 (hg19) VCF-style: chr4-88534237-A-G.
Other names: short protein forms D300G.
Identifiers: ClinVar variation 1478315 (VCV001478315.11), dbSNP rs367711766, ClinGen allele CA3000973.